The following is an entry in ClinVar:

ClinVar aggregate classification (germline): Conflicting classifications of pathogenicity. Review status: criteria provided, conflicting classifications (1 of 4 stars). 7 submissions from 7 submitters: Uncertain significance (1); Likely benign (3). 3 of the submissions do not count toward it. Last evaluated 2025-10-10.

Conditions:
Epidermolysis bullosa simplex 5B, with muscular dystrophy (EBS5B). Also called: EPIDERMOLYSIS BULLOSA SIMPLEX AND LIMB-GIRDLE MUSCULAR DYSTROPHY; Epidermolysis bullosa simplex with muscular dystrophy. Identifiers: Orphanet 257, MedGen C2931072, MONDO:0009181, OMIM 226670.
Autosomal recessive limb-girdle muscular dystrophy type 2Q (LGMDR17). Also called: MUSCULAR DYSTROPHY, LIMB-GIRDLE, AUTOSOMAL RECESSIVE 17. Identifiers: Orphanet 254361, MedGen C3150989, MONDO:0013390, OMIM 613723.
Epidermolysis bullosa simplex, Ogna type (EBS5A). Also called: Pidermolysis bullosa simplex 5A, Ogna type; EPIDERMOLYSIS BULLOSA SIMPLEX 5A, OGNA TYPE. Identifiers: Orphanet 79401, MedGen C0432317, MONDO:0007555, OMIM 131950.
Epidermolysis bullosa simplex with nail dystrophy (EBS5D). Identifiers: MedGen C4225309, MONDO:0014661, OMIM 616487.
Epidermolysis bullosa simplex 5C, with pyloric atresia (EBS5C). Also called: PLEC-Related Epidermolysis Bullosa with Pyloric Atresia; Epidermolysis bullosa simplex with pyloric atresia; PLEC1-Related Epidermolysis Bullosa with Pyloric Atresia. Identifiers: Orphanet 158684, MedGen C2677349, MONDO:0012807, OMIM 612138.
PLEC-related disorder. Also called: PLEC-related condition; PLEC-related disorders.

Submissions (7):

Mayo Clinic Laboratories, Mayo Clinic
Classification: Likely benign. Last evaluated: 2025-10-10. Review status: criteria provided, single submitter. Criteria: ACMG Guidelines, 2015. Collection method: clinical testing. Allele origin: germline. Observed: 35 variant alleles.
Comment: BP4, BP7

Labcorp Genetics (formerly Invitae), Labcorp
Classification: Likely benign for Autosomal recessive limb-girdle muscular dystrophy type 2Q; Epidermolysis bullosa simplex, Ogna type; Epidermolysis bullosa simplex with nail dystrophy; Epidermolysis bullosa simplex 5C, with pyloric atresia; Epidermolysis bullosa simplex 5B, with muscular dystrophy. Last evaluated: 2025-08-09. Review status: criteria provided, single submitter. Criteria: Invitae Variant Classification Sherloc (09022015). Collection method: clinical testing. Allele origin: germline.

Blueprint Genetics
Classification: Likely benign. Last evaluated: 2024-11-27. Review status: criteria provided, single submitter. Criteria: ACMG Guidelines, 2015. Collection method: clinical testing. Allele origin: germline.

Eurofins Ntd Llc (ga)
Classification: Uncertain significance. Last evaluated: 2016-10-12. Review status: criteria provided, single submitter. Criteria: EGL Classification Definitions 2015. Collection method: clinical testing. Allele origin: germline. Observed: 18 variant alleles.

PreventionGenetics, part of Exact Sciences
Classification: Likely benign for PLEC-related condition. Last evaluated: 2020-04-01. Review status: no assertion criteria provided. Collection method: clinical testing. Allele origin: germline. Not counted in ClinVar's aggregate classification.
Comment: This variant is classified as likely benign based on ACMG/AMP sequence variant interpretation guidelines (Richards et al. 2015 PMID: 25741868, with internal and published modifications).

Clinical Genetics DNA and cytogenetics Diagnostics Lab, Erasmus MC, Erasmus Medical Center
Classification: Likely benign. Review status: no assertion criteria provided. Collection method: clinical testing. Allele origin: germline. Affected: yes. Study: VKGL Data-share Consensus. Not counted in ClinVar's aggregate classification.

Laboratory of Diagnostic Genome Analysis, Leiden University Medical Center (LUMC)
Classification: Likely benign. Review status: no assertion criteria provided. Collection method: clinical testing. Allele origin: germline. Affected: yes. Study: VKGL Data-share Consensus. Not counted in ClinVar's aggregate classification.

NM_201384.3(PLEC):c.1418+10G>C

Gene: PLEC (plectin; minus strand). Cytogenetic location: 8q24.3.
Variant type: single nucleotide variant.
Coding change: c.1418+10G>C on transcript NM_201384.3 (MANE Select); 10 bases into the intron after coding-DNA position 1418, G replaced by C.
Molecular consequence: intron variant.
Genome position (GRCh38, 1-based): chr8:143,933,187, C>G on the plus strand (G>C on the coding strand, the complement: PLEC is on the minus strand). VCF-style: chr8-143933187-C-G. GRCh37 (hg19) VCF-style: chr8-145007355-C-G.
Other names: p.?; c.1499+10G>C (NM_000445.5); c.1376+10G>C (NM_201378.4); c.1352+10G>C (NM_201379.3); c.1829+10G>C (NM_201380.4); c.1322+10G>C (NM_201381.3); c.1418+10G>C (NM_201382.4); c.1430+10G>C (NM_201383.3).
Identifiers: ClinVar variation 497656 (VCV000497656.20), dbSNP rs782571969, ClinGen allele CA658797171.